The following is an entry in ClinVar:

NM_001128148.3(TFRC):c.1540A>C (p.Lys514Gln)

Gene: TFRC (transferrin receptor; minus strand). Cytogenetic location: 3q29.
Variant type: single nucleotide variant.
Coding change: c.1540A>C on transcript NM_001128148.3 (MANE Select); coding-DNA position 1540, A replaced by C.
Protein change: p.Lys514Gln; replaces lysine 514 with glutamine.
Molecular consequence: missense variant.
Genome position (GRCh38, 1-based): chr3:196,058,629, T>G on the plus strand (A>C on the coding strand, the complement: TFRC is on the minus strand). VCF-style: chr3-196058629-T-G. GRCh37 (hg19) VCF-style: chr3-195785500-T-G.
Other names: c.1297A>C, p.Lys433Gln (NM_001313965.2); c.694A>C, p.Lys232Gln (NM_001313966.2); c.1540A>C, p.Lys514Gln (NM_003234.4); short protein forms K514Q, K232Q, K433Q.
Identifiers: ClinVar variation 4692375 (VCV004692375.1).
Genomic context (GRCh38, chr3:196,058,629, plus strand): 5'-CTTACACTTTGCTGGCCCAGTTGCTGTCCTGATATAGAAATTGCCCAGTAACCGGATGCT[T>G]CACCTGTAAGATAAGAAATTATCATTAAAACTAACCTTTTGGAACTTATTTATTCAGGCT-3'
Protein context (NP_001121620.1, residues 504-524): TLIEKTMQNV[Lys514Gln]HPVTGQFLYQ

ClinVar aggregate classification (germline): Uncertain significance (1 of 4 stars; one submission).

gnomAD v4.1: 5 of 1,609,896 alleles (0.00031%); highest among the groups gnomAD compares: Non-Finnish European, 0.00034%; no homozygotes.

Submission:

Labcorp Genetics (formerly Invitae), Labcorp
Classification: Uncertain significance. Last evaluated: 2025-07-27. Review status: criteria provided, single submitter. Criteria: Invitae Variant Classification Sherloc (09022015). Collection method: clinical testing. Allele origin: germline.
Comment: This sequence change replaces lysine, which is basic and polar, with glutamine, which is neutral and polar, at codon 514 of the TFRC protein (p.Lys514Gln). This variant is present in population databases (rs113324914, gnomAD 0.0009%). This variant has not been reported in the literature in individuals affected with TFRC-related conditions. Invitae Evidence Modeling of protein sequence and biophysical properties (such as structural, functional, and spatial information, amino acid conservation, physicochemical variation, residue mobility, and thermodynamic stability) indicates that this missense variant is not expected to disrupt TFRC protein function with a negative predictive value of 80%. In summary, the available evidence is currently insufficient to determine the role of this variant in disease. Therefore, it has been classified as a Variant of Uncertain Significance.